The following is an entry in ClinVar:

ClinVar aggregate classification (germline): Uncertain significance. Review status: criteria provided, multiple submitters, no conflicts (2 of 4 stars). 3 submissions from 3 submitters: Uncertain significance (3). Last evaluated 2026-01-12.

Conditions:
Cardiovascular phenotype. Identifiers: MedGen CN230736.
Dilated cardiomyopathy 1W (CMD1W). Identifiers: Orphanet 154, MedGen C1969639, MONDO:0012667, OMIM 611407.

Submissions (3):

Ambry Genetics
Classification: Uncertain significance for Cardiovascular phenotype. Last evaluated: 2026-01-12. Review status: criteria provided, single submitter. Criteria: Ambry Variant Classification Scheme 2023. Collection method: clinical testing. Allele origin: germline.
Comment: The c.597delA variant, located in coding exon 5 of the VCL gene, results from a deletion of one nucleotide at nucleotide position 597, causing a translational frameshift with a predicted alternate stop codon (p.E200Sfs*10). This alteration is expected to result in protein truncation or nonsense-mediated mRNA decay. However, loss of function has not been established as a mechanism of disease. Based on the available evidence, the clinical significance of this alteration remains unclear.

Labcorp Genetics (formerly Invitae), Labcorp
Classification: Uncertain significance for Dilated cardiomyopathy 1W. Last evaluated: 2020-01-23. Review status: criteria provided, single submitter. Criteria: Invitae Variant Classification Sherloc (09022015). Collection method: clinical testing. Allele origin: germline.
Comment: In summary, the available evidence is currently insufficient to determine the role of this variant in disease. Therefore, it has been classified as a Variant of Uncertain Significance. The current clinical and genetic evidence is not sufficient to establish whether loss-of-function variants in VCL cause disease. This variant has not been reported in the literature in individuals with VCL-related conditions. The frequency data for this variant in the population databases is considered unreliable, as metrics indicate poor data quality at this position in the ExAC database. This sequence change creates a premature translational stop signal (p.Glu200Serfs*10) in the VCL gene. It is expected to result in an absent or disrupted protein product.

GeneDx
Classification: Uncertain significance. Last evaluated: 2020-01-08. Review status: criteria provided, single submitter. Criteria: GeneDx Variant Classification Process June 2021. Collection method: clinical testing. Allele origin: germline. Affected: yes.
Comment: Has not been previously published as pathogenic or benign to our knowledge; Not observed at a significant frequency in large population cohorts (Lek et al., 2016); Frameshift variant predicted to result in protein truncation or nonsense mediated decay in a gene for which loss-of-function is not a known mechanism of disease

NM_014000.3(VCL):c.597del (p.Glu200fs)

Gene: VCL (vinculin; plus strand). Cytogenetic location: 10q22.2.
Variant type: Deletion.
Coding change: c.597del on transcript NM_014000.3 (MANE Select); coding-DNA position 597, one base deleted (A; older notation c.597delA).
Protein change: p.Glu200fs; shifts the reading frame from glutamic acid 200.
Molecular consequence: frameshift variant.
Genome position (GRCh38, 1-based): chr10:74,072,827, A deleted; the last of 3 consecutive A bases (chr10:74,072,825-74,072,827); deleting any one gives the same sequence. VCF-style (leftmost placement, unchanged base first): chr10-74072824-GA-G. GRCh37 (hg19) VCF-style: chr10-75832582-GA-G.
Other names: c.597delA (NM_014000.2); c.597del, p.Glu200fs (NM_003373.4); short protein forms E200fs.
Identifiers: ClinVar variation 1051345 (VCV001051345.12), dbSNP rs777492997, ClinGen allele CA5562809.
Genomic context (GRCh38, chr10:74,072,824, plus strand): 5'-ACAGCAGGAGCTCACTCACCAGGAGCACCGAGTGATGTTGGTGAACTCGATGAACACCGT[GA>G]AAGAGTTGCTGCCAGTTCTCATTTCAGGTACTTCCTGCCTGTACTTTATTTTATAGGGGG-3'